The following is an entry in ClinVar:

ClinVar aggregate classification (germline): Likely benign (1 of 4 stars; one submission).

gnomAD v4.1: 5 of 1,614,196 alleles (0.00031%); highest among the groups gnomAD compares: South Asian, 0.0011%; no homozygotes.

Submission:

CeGaT Center for Human Genetics Tuebingen
Classification: Likely benign. Last evaluated: 2024-08-01. Review status: criteria provided, single submitter. Criteria: CeGaT Center For Human Genetics Tuebingen Variant Classification Criteria Version 2. Collection method: clinical testing. Allele origin: germline. Affected: yes. Observed: 1 variant allele.
Comment: SLC5A7: BP4, BP7

NM_021815.5(SLC5A7):c.681G>A (p.Pro227=)

Gene: SLC5A7 (solute carrier family 5 member 7; plus strand). Cytogenetic location: 2q12.3.
Variant type: single nucleotide variant.
Coding change: c.681G>A on transcript NM_021815.5 (MANE Select); coding-DNA position 681, G replaced by A.
Protein change: p.Pro227=; no amino-acid change (proline 227 retained).
Molecular consequence: synonymous variant. On other transcripts: 5 prime UTR variant (1).
Genome position (GRCh38, 1-based): chr2:108,001,980, G>A. VCF-style: chr2-108001980-G-A. GRCh37 (hg19) VCF-style: chr2-108618436-G-A.
Other names: c.681G>A, p.Pro227= (NM_001305005.3); c.366G>A, p.Pro122= (NM_001305006.3); c.-61G>A (NM_001305007.3).
Identifiers: ClinVar variation 3341921 (VCV003341921.16).
Genomic context (GRCh38, chr2:108,001,980, plus strand): 5'-GTCACATCCTGCAGTCGCAGACATCGGGTTCACTGCTGTGCATGCCAAATACCAAAAGCC[G>A]TGGCTGGGAACTGTTGACTCATCTGAAGTCTACTCTTGGCTTGATAGTTTTCTGTTGTTG-3'
Protein context (NP_068587.1, residues 217-237): FTAVHAKYQK[Pro227=]WLGTVDSSEV